The following is an entry in ClinVar:

NM_001206927.2(DNAH8):c.5769C>T (p.His1923=)

Gene: DNAH8 (dynein axonemal heavy chain 8; plus strand). Cytogenetic location: 6p21.2.
Variant type: single nucleotide variant.
Coding change: c.5769C>T on transcript NM_001206927.2 (MANE Select); coding-DNA position 5769, C replaced by T.
Protein change: p.His1923=; no amino-acid change (histidine 1923 retained).
Molecular consequence: synonymous variant.
Genome position (GRCh38, 1-based): chr6:38,857,553, C>T. VCF-style: chr6-38857553-C-T. GRCh37 (hg19) VCF-style: chr6-38825329-C-T.
Other names: p.His1923=; c.5118C>T, p.His1706= (NM_001371.4).
Identifiers: ClinVar variation 402765 (VCV000402765.17), dbSNP rs2061907, ClinGen allele CA3789478.
Genomic context (GRCh38, chr6:38,857,553, plus strand): 5'-TAATATTTTTCTGCTGGATCTGTAGGTTGGACTTCTGGGAATTCAGATGTTGTGGACACA[C>T]GATTCAGAAGAGGCTTTACGTAATGCAAAAGATGACAGGAAAATCATGCAAGTGACCAAT-3'
Protein context (NP_001193856.1, residues 1913-1933): GLLGIQMLWT[His1923=]DSEEALRNAK

ClinVar aggregate classification (germline): Benign. Review status: criteria provided, multiple submitters, no conflicts (2 of 4 stars). 5 submissions from 5 submitters: Benign (5). Last evaluated 2026-02-04.

Conditions:
Primary ciliary dyskinesia. Also called: Ciliary dyskinesia. Identifiers: Orphanet 244, MedGen C0008780, MONDO:0016575, HP:0012265.

Allele frequency attached by ClinVar (database versions not stated): ESP Exome Variant Server 0.40304; gnomAD 0.42221; TOPMed 0.43129; 1000 Genomes Project 30x 0.48235; 1000 Genomes Project 0.48423.
gnomAD v4.1: 701,170 of 1,610,598 alleles (44%); highest among the groups gnomAD compares: East Asian, 69%; 156,602 homozygotes.

Submissions (5):

Labcorp Genetics (formerly Invitae), Labcorp
Classification: Benign for Primary ciliary dyskinesia. Last evaluated: 2026-02-04. Review status: criteria provided, single submitter. Criteria: Invitae Variant Classification Sherloc (09022015). Collection method: clinical testing. Allele origin: germline.

Blueprint Genetics
Classification: Benign. Last evaluated: 2024-11-27. Review status: criteria provided, single submitter. Criteria: ACMG Guidelines, 2015. Collection method: clinical testing. Allele origin: germline.

Mayo Clinic Laboratories, Mayo Clinic
Classification: Benign. Last evaluated: 2022-04-26. Review status: criteria provided, single submitter. Criteria: ACMG Guidelines, 2015. Collection method: clinical testing. Allele origin: germline. Observed: 142 variant alleles.

GeneDx
Classification: Benign. Last evaluated: 2018-11-10. Review status: criteria provided, single submitter. Criteria: GeneDx Variant Classification Process June 2021. Collection method: clinical testing. Allele origin: germline. Affected: yes.

Laboratory for Molecular Medicine, Mass General Brigham Personalized Medicine
Classification: Benign. Last evaluated: 2016-03-28. Review status: criteria provided, single submitter. Criteria: LMM Criteria. Collection method: clinical testing. Allele origin: germline.
Comment: Variant identified in a genome or exome case(s) and assessed due to predicted null impact of the variant or pathogenic assertions in the literature or databases. Disclaimer: This variant has not undergone full assessment. The following are preliminary notes: Frequency